The following is an entry in ClinVar:

NM_001377265.1(MAPT):c.2457G>A (p.Thr819=)

Gene: MAPT (microtubule associated protein tau). Cytogenetic location: 17q21.31.
Variant type: single nucleotide variant.
Coding change: c.2457G>A on transcript NM_001377265.1 (MANE Select); coding-DNA position 2457, G replaced by A.
Protein change: p.Thr819=; no amino-acid change (threonine 819 retained).
Molecular consequence: synonymous variant. On other transcripts: non-coding transcript variant (1), intron variant (1).
Genome position (GRCh38, 1-based): chr17:46,024,126, G>A. VCF-style: chr17-46024126-G-A. GRCh37 (hg19) VCF-style: chr17-44101492-G-A.
Other names: c.1101G>A, p.Thr367= (NM_001203251.2); c.1188G>A, p.Thr396= (NM_001203252.2); c.2166G>A, p.Thr722= (NM_001377266.1); c.1014G>A, p.Thr338= (NM_001377268.1, NM_016841.5); c.1281G>A, p.Thr427= (NM_005910.6); c.1107G>A, p.Thr369= (NM_016834.5); c.2232G>A, p.Thr744= (NM_016835.5); c.772-991G>A (NM_001377267.1); and 2 more.
Identifiers: ClinVar variation 323649 (VCV000323649.6), dbSNP rs369954009, ClinGen allele CA8618277.

ClinVar aggregate classification (germline): Likely benign. Review status: criteria provided, multiple submitters, no conflicts (2 of 4 stars). 2 submissions from 2 submitters: Likely benign (2). Last evaluated 2025-05-30.

Conditions:
MAPT-Related Spectrum Disorders.
Frontotemporal dementia (FTD1). Also called: FRONTOTEMPORAL DEMENTIA WITH PARKINSONISM; FRONTOTEMPORAL LOBE DEMENTIA; MULTIPLE SYSTEM TAUOPATHY WITH PRESENILE DEMENTIA; WILHELMSEN-LYNCH DISEASE; Frontotemporal lobe dementia (FLDEM); FRONTOTEMPORAL LOBAR DEGENERATION WITH TAU INCLUSIONS. Identifiers: Orphanet 282, MedGen C0338451, MONDO:0017276, OMIM 600274, HP:0002145.

Allele frequency attached by ClinVar (database versions not stated): TOPMed 0.00001; gnomAD exomes 0.00002 and 0.00003; gnomAD 0.00003; ExAC 0.00005; ESP Exome Variant Server 0.00008.
gnomAD v4.1: 35 of 1,613,998 alleles (0.0022%); highest among the groups gnomAD compares: Admixed American, 0.0033%; no homozygotes.

Submissions (2):

Labcorp Genetics (formerly Invitae), Labcorp
Classification: Likely benign for Frontotemporal dementia. Last evaluated: 2025-05-30. Review status: criteria provided, single submitter. Criteria: Invitae Variant Classification Sherloc (09022015). Collection method: clinical testing. Allele origin: germline.

Illumina Laboratory Services, Illumina
Classification: Likely benign for MAPT-Related Spectrum Disorders. Last evaluated: 2018-01-12. Review status: criteria provided, single submitter. Criteria: ICSL Variant Classification Criteria 13 December 2019. Collection method: clinical testing. Allele origin: germline.
Comment: This variant was observed in the ICSL laboratory as part of a predisposition screen in an ostensibly healthy population. It had not been previously curated by ICSL or reported in the Human Gene Mutation Database (HGMD: prior to June 1st, 2018), and was therefore a candidate for classification through an automated scoring system. Utilizing variant allele frequency, disease prevalence and penetrance estimates, and inheritance mode, an automated score was calculated to assess if this variant is too frequent to cause the disease. Based on the score and internal cut-off values, a variant classified as likely benign is not then subjected to further curation. The score for this variant resulted in a classification of likely benign for this disease.